The following is an entry in ClinVar:

ClinVar aggregate classification (germline): Pathogenic. Review status: criteria provided, multiple submitters, no conflicts (2 of 4 stars). 2 submissions from 2 submitters: Pathogenic (2). Last evaluated 2026-07-30.

Conditions:
Cardiovascular phenotype. Identifiers: MedGen CN230736.
Hereditary cancer-predisposing syndrome. Also called: Neoplastic Syndromes, Hereditary; Hereditary Cancer Syndrome; Tumor predisposition; Hereditary neoplastic syndrome. Identifiers: Orphanet 140162, MedGen C0027672, MeSH D009386, MONDO:0015356.
NF1-related disorder. Also called: NF1-related condition. Identifiers: MedGen CN379171.

Submissions (2):

PreventionGenetics, part of Exact Sciences
Classification: Pathogenic for NF1-related condition. Last evaluated: 2026-07-30. Review status: criteria provided, single submitter. Criteria: ACMG Guidelines, 2015. Collection method: clinical testing. Allele origin: germline.
Comment: The NF1 c.367_368delAC variant is predicted to result in a frameshift and premature protein termination (p.Thr123Leufs*3). This variant has been reported in an individual with clinical features consistent with neurofibromatosis type 1 (NF1) (Safonov et al. 2025. PubMed ID: 40169570). It has not been reported in a large population database (gnomAD), indicating it is rare and is classified as pathogenic in ClinVar (Variation ID: 824053). Frameshift variants in NF1 are expected to be pathogenic. This variant is interpreted as pathogenic.

Ambry Genetics
Classification: Pathogenic for Cardiovascular phenotype; Hereditary cancer-predisposing syndrome. Last evaluated: 2019-02-01. Review status: criteria provided, single submitter. Criteria: Ambry Variant Classification Scheme 2023. Collection method: clinical testing. Allele origin: germline.
Comment: The c.367_368delAC pathogenic mutation, located in coding exon 4 of the NF1 gene, results from a deletion of two nucleotides at nucleotide positions 367 to 368, causing a translational frameshift with a predicted alternate stop codon (p.T123Lfs*3). This alteration is expected to result in loss of function by premature protein truncation or nonsense-mediated mRNA decay. As such, this alteration is interpreted as a disease-causing mutation.

NM_001042492.3(NF1):c.367_368del (p.Thr123fs)

Gene: NF1 (neurofibromin 1; plus strand). Cytogenetic location: 17q11.2.
Variant type: Microsatellite.
Coding change: c.367_368del on transcript NM_001042492.3 (MANE Select); coding-DNA positions 367 to 368, 2 bases deleted (AC; older notation c.367_368delAC).
Protein change: p.Thr123fs; shifts the reading frame from threonine 123.
Molecular consequence: frameshift variant.
Genome position (GRCh38, 1-based): chr17:31,163,264-31,163,265, AC deleted; deleting any 2 consecutive bases within chr17:31,163,261-31,163,265 gives the same sequence; the c. name uses the placement nearest the transcript's 3' end. VCF-style (leftmost placement, unchanged base first): chr17-31163260-TCA-T. GRCh37 (hg19) VCF-style: chr17-29490278-TCA-T.
Other names: c.367_368delAC (NM_000267.3); c.365_366AC[1], p.Thr123Leufs (NM_000267.4); c.367_368del, p.Thr123fs (NM_001128147.3); short protein forms T123fs.
Identifiers: ClinVar variation 824053 (VCV000824053.5), dbSNP rs1597635793, ClinGen allele CA915949716.
Genomic context (GRCh38, chr17:31,163,260, plus strand): 5'-AATGAGATTAGATGAAACGATGCTGGTCAAACAGTTGCTGCCAGAAATCTGCCATTTTCT[TCA>T]CACCTGTCGTGAAGGAAACCAGCATGCAGCTGAACTTCGGAATTCTGCCTCTGGGGTTTT-3'